The following is an entry in ClinVar:

ClinVar aggregate classification (germline): Uncertain significance (1 of 4 stars; one submission).

Conditions:
Spongy degeneration of central nervous system. Also called: ACY2 DEFICIENCY; AMINOACYLASE 2 DEFICIENCY; ASP DEFICIENCY; ASPA DEFICIENCY; ASPARTOACYLASE DEFICIENCY; CANAVAN-VAN BOGAERT-BERTRAND DISEASE. Identifiers: Orphanet 141, MedGen C0206307, MONDO:0010079, OMIM 271900.

Submission:

Labcorp Genetics (formerly Invitae), Labcorp
Classification: Uncertain significance for Spongy degeneration of central nervous system. Last evaluated: 2022-08-09. Review status: criteria provided, single submitter. Criteria: Invitae Variant Classification Sherloc (09022015). Collection method: clinical testing. Allele origin: germline.
Comment: This variant is present in population databases (no rsID available, gnomAD 0.003%). This sequence change replaces proline, which is neutral and non-polar, with serine, which is neutral and polar, at codon 217 of the ASPA protein (p.Pro217Ser). This variant has not been reported in the literature in individuals affected with ASPA-related conditions. In summary, the available evidence is currently insufficient to determine the role of this variant in disease. Therefore, it has been classified as a Variant of Uncertain Significance. Advanced modeling of protein sequence and biophysical properties (such as structural, functional, and spatial information, amino acid conservation, physicochemical variation, residue mobility, and thermodynamic stability) performed at Invitae indicates that this missense variant is not expected to disrupt ASPA protein function.

NM_000049.4(ASPA):c.649C>T (p.Pro217Ser)

Genes: ASPA (aspartoacylase; plus strand), SPATA22 (spermatogenesis associated 22; minus strand). Cytogenetic location: 17p13.2.
Variant type: single nucleotide variant.
Coding change: c.649C>T on transcript NM_000049.4 (MANE Select); coding-DNA position 649, C replaced by T.
Protein change: p.Pro217Ser; replaces proline 217 with serine.
Molecular consequence: missense variant. On other transcripts: intron variant (2).
Genome position (GRCh38, 1-based): chr17:3,494,364, C>T. VCF-style: chr17-3494364-C-T. GRCh37 (hg19) VCF-style: chr17-3397658-C-T.
Other names: c.649C>T, p.Pro217Ser (NM_001128085.1); c.-74+19048G>A (NM_001321336.2, NM_001321337.2); short protein forms P217S.
Identifiers: ClinVar variation 2164647 (VCV002164647.3), dbSNP rs925180640, ClinGen allele CA397685856.
Genomic context (GRCh38, chr17:3,494,364, plus strand): 5'-CAGAGATGTTTTTAGTTGCCATTGATACATATTGTTTTTGTCATAGGAAAAGAATTTCCT[C>T]CCTGCGCCATTGAGGTCTATAAAATTATAGAGAAAGTTGATTACCCCCGGGATGAAAATG-3'
Protein context (NP_000040.1, residues 207-227): HHFNEGKEFP[Pro217Ser]CAIEVYKIIE